The following is an entry in ClinVar:

ClinVar aggregate classification (germline): Uncertain significance (1 of 4 stars; one submission).

gnomAD v4.1: 2 of 1,614,142 alleles (0.00012%); highest among the groups gnomAD compares: African/African-American, 0.0027%; no homozygotes.

Submission:

Women's Health and Genetics/Laboratory Corporation of America, LabCorp
Classification: Uncertain significance. Last evaluated: 2024-12-18. Review status: criteria provided, single submitter. Criteria: LabCorp Variant Classification Summary - May 2015. Collection method: clinical testing. Allele origin: germline.
Comment: Variant summary: TSHR c.2051C>A (p.Ala684Asp) results in a non-conservative amino acid change in the encoded protein sequence. Three of five in-silico tools predict a damaging effect of the variant on protein function. The variant allele was found at a frequency of 4e-06 in 251480 control chromosomes. The available data on variant occurrences in the general population are insufficient to allow any conclusion about variant significance. c.2051C>A has been reported in the literature in one individual affected with Hypothyroidism, whose mom was a carrier reporting unaffected (Fu_2016). These report(s) do not provide unequivocal conclusions about association of the variant with Hypothyroidism Due To TSH Receptor Mutations. To our knowledge, no experimental evidence demonstrating an impact on protein function has been reported. The following publication has been ascertained in the context of this evaluation (PMID: 27637299). No submitters have cited clinical-significance assessments for this variant to ClinVar. Based on the evidence outlined above, the variant was classified as uncertain significance.

Literature cited by the submitters: PubMed 27637299.

NM_000369.5(TSHR):c.2051C>A (p.Ala684Asp)

Genes: TSHR (thyroid stimulating hormone receptor; plus strand), TSHR-AS1 (TSHR antisense RNA 1; minus strand). Cytogenetic location: 14q31.1.
Variant type: single nucleotide variant.
Coding change: c.2051C>A on transcript NM_000369.5 (MANE Select); coding-DNA position 2051, C replaced by A.
Protein change: p.Ala684Asp; replaces alanine 684 with aspartic acid.
Molecular consequence: missense variant.
Genome position (GRCh38, 1-based): chr14:81,144,109, C>A. VCF-style: chr14-81144109-C-A. GRCh37 (hg19) VCF-style: chr14-81610453-C-A.
Other names: short protein forms A684D.
Identifiers: ClinVar variation 3768529 (VCV003768529.1).